The following is an entry in ClinVar:

ClinVar aggregate classification (germline): Likely benign. Review status: criteria provided, multiple submitters, no conflicts (2 of 4 stars). 2 submissions from 2 submitters: Likely benign (2). Last evaluated 2025-07-05.

Allele frequency attached by ClinVar (database versions not stated): TOPMed 0.00002; gnomAD exomes 0.00001.
gnomAD v4.1: 12 of 1,209,777 alleles (0.00099%); highest among the groups gnomAD compares: Non-Finnish European, 0.0013%; no homozygotes.

Submissions (2):

Labcorp Genetics (formerly Invitae), Labcorp
Classification: Likely benign. Last evaluated: 2025-07-05. Review status: criteria provided, single submitter. Criteria: Invitae Variant Classification Sherloc (09022015). Collection method: clinical testing. Allele origin: germline.

Women's Health and Genetics/Laboratory Corporation of America, LabCorp
Classification: Likely benign. Last evaluated: 2024-11-12. Review status: criteria provided, single submitter. Criteria: LabCorp Variant Classification Summary - May 2015. Collection method: clinical testing. Allele origin: germline.
Comment: Variant summary: AMER1 c.2497G>A (p.Asp833Asn) results in a conservative amino acid change in the encoded protein sequence. Four of five in-silico tools predict a benign effect of the variant on protein function. The variant allele was found at a frequency of 9.9e-06 in 1209777 control chromosomes, including 3 hemizygotes. To our knowledge, no occurrence of c.2497G>A in individuals affected with Osteopathia Striata With Cranial Sclerosis and no experimental evidence demonstrating its impact on protein function have been reported. ClinVar contains an entry for this variant (Variation ID: 2870689). Based on the evidence outlined above, the variant was classified as likely benign.

NM_152424.4(AMER1):c.2497G>A (p.Asp833Asn)

Gene: AMER1 (APC membrane recruitment protein 1; minus strand). Cytogenetic location: Xq11.2.
Variant type: single nucleotide variant.
Coding change: c.2497G>A on transcript NM_152424.4 (MANE Select); coding-DNA position 2497, G replaced by A.
Protein change: p.Asp833Asn; replaces aspartic acid 833 with asparagine.
Molecular consequence: missense variant.
Genome position (GRCh38, 1-based): chrX:64,190,790, C>T on the plus strand (G>A on the coding strand, the complement: AMER1 is on the minus strand). VCF-style: chrX-64190790-C-T. GRCh37 (hg19) VCF-style: chrX-63410670-C-T.
Other names: short protein forms D833N.
Identifiers: ClinVar variation 2870689 (VCV002870689.4), dbSNP rs1424612359, ClinGen allele CA413303050.
Genomic context (GRCh38, chrX:64,190,790, plus strand): 5'-TGTTGAAGGCATGTTTGTGATAGTAGCCCAGCTCAAAGGCTTCCAAGGAGGCTGCAAGAT[C>T]TTCATCATTGTGGAACTCAGGATTCTCTTCACACTTGCCTTCCCCATCCCGTTCCACATC-3'
Protein context (NP_689637.3, residues 823-843): EENPEFHNDE[Asp833Asn]LAASLEAFEL